The following is an entry in ClinVar:

ClinVar aggregate classification (germline): Uncertain significance. Review status: criteria provided, multiple submitters, no conflicts (2 of 4 stars). 2 submissions from 2 submitters: Uncertain significance (2). Last evaluated 2025-06-02.

Conditions:
LAMA2-related muscular dystrophy (LAMA2-RD). Also called: Laminin alpha 2-related dystrophy. Identifiers: MedGen C5679788, MONDO:0100228.
Inborn genetic diseases. Identifiers: MedGen C0950123, MeSH D030342.

Allele frequency attached by ClinVar (database versions not stated): ExAC 0.00001.
gnomAD v4.1: 4 of 1,613,662 alleles (0.00025%); highest among the groups gnomAD compares: East Asian, 0.0022%; no homozygotes.

Submissions (2):

Labcorp Genetics (formerly Invitae), Labcorp
Classification: Uncertain significance for LAMA2-related muscular dystrophy. Last evaluated: 2025-06-02. Review status: criteria provided, single submitter. Criteria: Invitae Variant Classification Sherloc (09022015). Collection method: clinical testing. Allele origin: germline.
Comment: This sequence change replaces aspartic acid, which is acidic and polar, with asparagine, which is neutral and polar, at codon 2094 of the LAMA2 protein (p.Asp2094Asn). This variant is not present in population databases (gnomAD no frequency). This variant has not been reported in the literature in individuals affected with LAMA2-related conditions. ClinVar contains an entry for this variant (Variation ID: 2037365). Invitae Evidence Modeling of protein sequence and biophysical properties (such as structural, functional, and spatial information, amino acid conservation, physicochemical variation, residue mobility, and thermodynamic stability) indicates that this missense variant is not expected to disrupt LAMA2 protein function with a negative predictive value of 95%. In summary, the available evidence is currently insufficient to determine the role of this variant in disease. Therefore, it has been classified as a Variant of Uncertain Significance.

Ambry Genetics
Classification: Uncertain significance for Inborn genetic diseases. Last evaluated: 2022-09-30. Review status: criteria provided, single submitter. Criteria: Ambry Variant Classification Scheme 2023. Collection method: clinical testing. Allele origin: germline.

NM_000426.4(LAMA2):c.6280G>A (p.Asp2094Asn)

Gene: LAMA2 (laminin subunit alpha 2; plus strand). Cytogenetic location: 6q22.33.
Variant type: single nucleotide variant.
Coding change: c.6280G>A on transcript NM_000426.4 (MANE Select); coding-DNA position 6280, G replaced by A.
Protein change: p.Asp2094Asn; replaces aspartic acid 2094 with asparagine.
Molecular consequence: missense variant.
Genome position (GRCh38, 1-based): chr6:129,445,672, G>A. VCF-style: chr6-129445672-G-A. GRCh37 (hg19) VCF-style: chr6-129766817-G-A.
Other names: c.6280G>A, p.Asp2094Asn (NM_001079823.2); short protein forms D2094N.
Identifiers: ClinVar variation 2037365 (VCV002037365.5), dbSNP rs768846392, ClinGen allele CA3994235.
Genomic context (GRCh38, chr6:129,445,672, plus strand): 5'-TGTGTGTGCACGTGTGTGCATGCATATACATGCACACTAATTTTGTTCTATGCAGTTGCC[G>A]ATGCAGATGCCACTGTCAAAAATTTAGAACAGGAAGCTGACCGGCTAATAGATAAACTCA-3'
Protein context (NP_000417.3, residues 2084-2104): KDPSKNKIIA[Asp2094Asn]ADATVKNLEQ